The following is an entry in ClinVar:

ClinVar aggregate classification (germline): Uncertain significance (1 of 4 stars; one submission).

Conditions:
Epidermolysis bullosa simplex 5C, with pyloric atresia (EBS5C). Also called: PLEC1-Related Epidermolysis Bullosa with Pyloric Atresia; Epidermolysis bullosa simplex with pyloric atresia; PLEC-Related Epidermolysis Bullosa with Pyloric Atresia. Identifiers: Orphanet 158684, MedGen C2677349, MONDO:0012807, OMIM 612138.
Epidermolysis bullosa simplex with nail dystrophy (EBS5D). Identifiers: MedGen C4225309, MONDO:0014661, OMIM 616487.
Epidermolysis bullosa simplex 5B, with muscular dystrophy (EBS5B). Also called: EPIDERMOLYSIS BULLOSA SIMPLEX AND LIMB-GIRDLE MUSCULAR DYSTROPHY; Epidermolysis bullosa simplex with muscular dystrophy. Identifiers: Orphanet 257, MedGen C2931072, MONDO:0009181, OMIM 226670.
Epidermolysis bullosa simplex, Ogna type (EBS5A). Also called: Pidermolysis bullosa simplex 5A, Ogna type; EPIDERMOLYSIS BULLOSA SIMPLEX 5A, OGNA TYPE. Identifiers: Orphanet 79401, MedGen C0432317, MONDO:0007555, OMIM 131950.
Autosomal recessive limb-girdle muscular dystrophy type 2Q (LGMDR17). Also called: MUSCULAR DYSTROPHY, LIMB-GIRDLE, AUTOSOMAL RECESSIVE 17. Identifiers: Orphanet 254361, MedGen C3150989, MONDO:0013390, OMIM 613723.

Allele frequency attached by ClinVar (database versions not stated): TOPMed 0.00002; gnomAD 0.00003 and 0.00004; gnomAD exomes 0.00006; ExAC 0.00013.
gnomAD v4.1: 57 of 1,540,696 alleles (0.0037%); highest among the groups gnomAD compares: South Asian, 0.025%; no homozygotes.

Submission:

Labcorp Genetics (formerly Invitae), Labcorp
Classification: Uncertain significance for Autosomal recessive limb-girdle muscular dystrophy type 2Q; Epidermolysis bullosa simplex, Ogna type; Epidermolysis bullosa simplex with nail dystrophy; Epidermolysis bullosa simplex 5C, with pyloric atresia; Epidermolysis bullosa simplex 5B, with muscular dystrophy. Last evaluated: 2025-08-20. Review status: criteria provided, single submitter. Criteria: Invitae Variant Classification Sherloc (09022015). Collection method: clinical testing. Allele origin: germline.
Comment: This sequence change replaces arginine, which is basic and polar, with glutamine, which is neutral and polar, at codon 1822 of the PLEC protein (p.Arg1822Gln). This variant is present in population databases (rs782414627, gnomAD 0.03%). This variant has not been reported in the literature in individuals affected with PLEC-related conditions. ClinVar contains an entry for this variant (Variation ID: 834285). Invitae Evidence Modeling of protein sequence and biophysical properties (such as structural, functional, and spatial information, amino acid conservation, physicochemical variation, residue mobility, and thermodynamic stability) indicates that this missense variant is not expected to disrupt PLEC protein function with a negative predictive value of 80%. In summary, the available evidence is currently insufficient to determine the role of this variant in disease. Therefore, it has been classified as a Variant of Uncertain Significance.

NM_201384.3(PLEC):c.5384G>A (p.Arg1795Gln)

Gene: PLEC (plectin; minus strand). Cytogenetic location: 8q24.3.
Variant type: single nucleotide variant.
Coding change: c.5384G>A on transcript NM_201384.3 (MANE Select); coding-DNA position 5384, G replaced by A.
Protein change: p.Arg1795Gln; replaces arginine 1795 with glutamine.
Molecular consequence: missense variant.
Genome position (GRCh38, 1-based): chr8:143,924,545, C>T on the plus strand (G>A on the coding strand, the complement: PLEC is on the minus strand). VCF-style: chr8-143924545-C-T. GRCh37 (hg19) VCF-style: chr8-144998713-C-T.
Other names: c.5465G>A, p.Arg1822Gln (NM_000445.5); c.5342G>A, p.Arg1781Gln (NM_201378.4); c.5318G>A, p.Arg1773Gln (NM_201379.3); c.5795G>A, p.Arg1932Gln (NM_201380.4); c.5288G>A, p.Arg1763Gln (NM_201381.3); c.5384G>A, p.Arg1795Gln (NM_201382.4); c.5396G>A, p.Arg1799Gln (NM_201383.3); short protein forms R1822Q, R1773Q, R1781Q, R1799Q, R1763Q, R1795Q, R1932Q.
Identifiers: ClinVar variation 834285 (VCV000834285.7), dbSNP rs782414627, ClinGen allele CA4926377.